The following is an entry in ClinVar:

NM_000492.4(CFTR):c.4339del (p.Arg1446_Val1447insTer)

Genes: CFTR (CF transmembrane conductance regulator; plus strand), LOC111674477 (CFTR intron 23 enhancer; plus strand). Cytogenetic location: 7q31.2.
Variant type: Deletion.
Coding change: c.4339del on transcript NM_000492.4 (MANE Select); coding-DNA position 4339, one base deleted (G; older notation c.4339delG).
Protein change: p.Arg1446_Val1447insTer.
Molecular consequence: nonsense.
Genome position (GRCh38, 1-based): chr7:117,667,004, G deleted; the last of 3 consecutive G bases (chr7:117,667,002-117,667,004); deleting any one gives the same sequence. VCF-style (leftmost placement, unchanged base first): chr7-117667001-AG-A. GRCh37 (hg19) VCF-style: chr7-117307055-AG-A.
Other names: c.4339delG (NM_000492.3).
Identifiers: ClinVar variation 554395 (VCV000554395.7), dbSNP rs1554397772, ClinGen allele CA658821708.

ClinVar aggregate classification (germline): Conflicting classifications of pathogenicity. Review status: criteria provided, conflicting classifications (1 of 4 stars). 5 submissions from 5 submitters: Likely pathogenic (3); Uncertain significance (1). 1 of the submissions does not count toward it. Last evaluated 2025-10-27.

Conditions:
Cystic fibrosis (CF). Also called: MUCOVISCIDOSIS. Identifiers: Orphanet 586, MedGen C0010674, MONDO:0009061, OMIM 219700. Disease mechanism: loss of function.
CFTR-related disorder (CFTR-RD). Also called: CFTR-related disorders; CFTR-related condition. Identifiers: MedGen C5924204, MONDO:7770004.
Bronchiectasis with or without elevated sweat chloride 1 (BESC1). Also called: Cystic Fibrosis-Like Syndrome. Identifiers: Orphanet 60033, MedGen C2749757, MONDO:0008887, OMIM 211400.
Hereditary pancreatitis (PCTT). Also called: Hereditary chronic pancreatitis; PRSS1-Related Hereditary Pancreatitis. Identifiers: Orphanet 676, MedGen C0238339, MONDO:0008185, OMIM 167800.
Congenital bilateral aplasia of vas deferens from CFTR mutation (CBAVD). Identifiers: Orphanet 48, MedGen C0403814, MONDO:0010178, OMIM 277180. Disease mechanism: loss of function.

Submissions (5):

Natera, Inc.
Classification: Likely pathogenic for CFTR-related disorders. Last evaluated: 2025-10-27. Review status: criteria provided, single submitter. Criteria: Natera Variant Classification Schema (03/2026). Collection method: clinical testing. Allele origin: germline.
Comment: The c.4339delG variant in CFTR is a frameshift variant predicted to shift the reading frame and introduce a stop codon. This variant is expected to result in nonsense mediated decay, truncation, or a dysfunctional protein product. This variant is rare in the general population with a frequency below the threshold expected for the associated phenotype(s). Given the available evidence, this variant is classified as Likely Pathogenic.

Department of Pathology and Laboratory Medicine, Sinai Health System
Classification: Uncertain significance for Hereditary pancreatitis; Bronchiectasis with or without elevated sweat chloride 1; Cystic fibrosis; Congenital bilateral aplasia of vas deferens from CFTR mutation. Last evaluated: 2023-05-24. Review status: criteria provided, single submitter. Criteria: ACMG Guidelines, 2015. Collection method: research. Allele origin: germline.

Baylor Genetics
Classification: Likely pathogenic for Bronchiectasis with or without elevated sweat chloride 1. Last evaluated: 2022-09-28. Review status: criteria provided, single submitter. Criteria: ACMG Guidelines, 2015. Collection method: clinical testing. Allele origin: unknown.

Ambry Genetics
Classification: Likely pathogenic for Cystic fibrosis. Last evaluated: 2021-06-24. Review status: criteria provided, single submitter. Criteria: Ambry Variant Classification Scheme 2023. Collection method: clinical testing. Allele origin: germline.
Comment: The c.4339delG variant, located in coding exon 27 of the CFTR gene, results from a deletion of one nucleotide at nucleotide position 4339, causing a translational frameshift with a predicted alternate stop codon (p.V1447*). This alteration occurs at the 3' terminus of the CFTR gene, is not expected to trigger nonsense-mediated mRNA decay, and only impacts the last 2% of the protein. However, premature stop codons are typically deleterious in nature and the impacted region is critical for protein function (Ambry internal data). This variant is considered to be rare based on population cohorts in the Genome Aggregation Database (gnomAD). Based on the majority of available evidence to date, this variant is likely to be pathogenic.

Counsyl
Classification: Likely pathogenic for Cystic fibrosis. Last evaluated: 2017-10-17. Review status: no assertion criteria provided. Collection method: clinical testing. Allele origin: unknown. Not counted in ClinVar's aggregate classification.